The following is an entry in ClinVar:

ClinVar aggregate classification (germline): Likely benign. Review status: criteria provided, multiple submitters, no conflicts (2 of 4 stars). 2 submissions from 2 submitters: Likely benign (2). Last evaluated 2018-06-16.

Allele frequency attached by ClinVar (database versions not stated): gnomAD exomes 0.00181; 1000 Genomes Project 0.01404; 1000 Genomes Project 30x 0.01436; gnomAD 0.01594 and 0.01725; ESP Exome Variant Server 0.01662; TOPMed 0.01890.
gnomAD v4.1: 3,791 of 1,187,273 alleles (0.32%); highest among the groups gnomAD compares: African/African-American, 5.8%; 74 homozygotes.

Submissions (2):

GeneDx
Classification: Likely benign. Last evaluated: 2018-06-16. Review status: criteria provided, single submitter. Criteria: GeneDx Variant Classification (06012015). Collection method: clinical testing. Allele origin: germline. Affected: yes.
Comment: This variant is considered likely benign or benign based on one or more of the following criteria: it is a conservative change, it occurs at a poorly conserved position in the protein, it is predicted to be benign by multiple in silico algorithms, and/or has population frequency not consistent with disease.

Breakthrough Genomics
Classification: Likely benign. Review status: criteria provided, single submitter. Criteria: ACMG Guidelines, 2015. Collection method: not provided. Allele origin: germline. Inheritance: X-linked inheritance. Affected: yes.

NM_000117.3(EMD):c.188-52G>A

Gene: EMD (emerin; plus strand). Cytogenetic location: Xq28.
Variant type: single nucleotide variant.
Coding change: c.188-52G>A on transcript NM_000117.3 (MANE Select); 52 bases into the intron before coding-DNA position 188, G replaced by A.
Molecular consequence: intron variant.
Genome position (GRCh38, 1-based): chrX:154,379,890, G>A. VCF-style: chrX-154379890-G-A. GRCh37 (hg19) VCF-style: chrX-153608250-G-A.
Identifiers: ClinVar variation 675877 (VCV000675877.2), dbSNP rs184469118, ClinGen allele CA337289287.